The following is an entry in ClinVar:

ClinVar aggregate classification (germline): Uncertain significance (1 of 4 stars; one submission).

Submission:

GeneDx
Classification: Uncertain significance. Last evaluated: 2026-02-03. Review status: criteria provided, single submitter. Criteria: GeneDx Variant Classification Process June 2021. Collection method: clinical testing. Allele origin: germline.
Comment: Not observed at significant frequency in large population cohorts (gnomAD); In silico analysis supports that this missense variant has a deleterious effect on protein structure/function; Has not been previously published as pathogenic or benign to our knowledge

NM_182699.4(DDX53):c.1823A>C (p.Gln608Pro)

Genes: DDX53 (DEAD-box helicase 53; plus strand), PTCHD1-AS (PTCHD1 and PHEX antisense RNA; minus strand). Cytogenetic location: Xp22.11.
Variant type: single nucleotide variant.
Coding change: c.1823A>C on transcript NM_182699.4 (MANE Select); coding-DNA position 1823, A replaced by C.
Protein change: p.Gln608Pro; replaces glutamine 608 with proline.
Molecular consequence: missense variant.
Genome position (GRCh38, 1-based): chrX:23,001,880, A>C. VCF-style: chrX-23001880-A-C. GRCh37 (hg19) VCF-style: chrX-23019997-A-C.
Other names: short protein forms Q608P.
Identifiers: ClinVar variation 4975456 (VCV004975456.1).